The following is an entry in ClinVar:

ClinVar aggregate classification (germline): Likely pathogenic (1 of 4 stars; one submission).

Conditions:
Intellectual developmental disorder with autism and macrocephaly. Also called: Autism, susceptibility to, 18; CHD8-Related Neurodevelopmental Disorder with Overgrowth. Identifiers: Orphanet 642675, MedGen C3554373, MONDO:0014017, OMIM 615032.

Submission:

3billion
Classification: Likely pathogenic for Intellectual developmental disorder with autism and macrocephaly. Last evaluated: 2025-08-23. Review status: criteria provided, single submitter. Criteria: ACMG Guidelines, 2015. Collection method: clinical testing. Allele origin: germline. Affected: yes.
Comment: The variant is not observed in the gnomAD v4.1.0 dataset. Predicted Consequence/Location: Frameshift: predicted to result in a loss or disruption of normal protein function through nonsense-mediated decay (NMD) or protein truncation. Multiple pathogenic variants are reported downstream of the variant. Therefore, this variant is classified as Likely pathogenic according to the recommendation of ACMG/AMP guideline.

NM_001170629.2(CHD8):c.5683del (p.Arg1895fs)

Gene: CHD8 (chromodomain helicase DNA binding protein 8; minus strand). Cytogenetic location: 14q11.2.
Variant type: Deletion.
Coding change: c.5683del on transcript NM_001170629.2 (MANE Select); coding-DNA position 5683, one base deleted (C; older notation c.5683delC).
Protein change: p.Arg1895fs; shifts the reading frame from arginine 1895.
Molecular consequence: frameshift variant.
Genome position (GRCh38, 1-based): chr14:21,394,112, G deleted on the plus strand (C on the coding strand, the reverse complement: CHD8 is on the minus strand). VCF-style (leftmost placement, unchanged base first): chr14-21394111-CG-C. GRCh37 (hg19) VCF-style: chr14-21862270-CG-C.
Other names: c.4846del, p.Arg1616fs (NM_020920.4); short protein forms R1616fs, R1895fs.
Identifiers: ClinVar variation 4853887 (VCV004853887.1).